The following is an entry in ClinVar:

ClinVar aggregate classification (germline): Uncertain significance (1 of 4 stars; one submission).

Conditions:
Leigh syndrome (NULS). Also called: Leigh's necrotizing encephalopathy; Leigh's disease; Leigh Syndrome (mtDNA deletion); Leigh Disease; Subacute necrotizing encephalopathy; Necrotizing encephalopathy infantile subacute of Leigh. Identifiers: Orphanet 506, MedGen C2931891, MONDO:0009723, OMIM 256000.

Submission:

Wong Mito Lab, Molecular and Human Genetics, Baylor College of Medicine
Classification: Uncertain significance for Leigh syndrome. Last evaluated: 2019-10-17. Review status: criteria provided, single submitter. Criteria: Modified ACMG Guidelines (Unpublished). Collection method: clinical testing. Allele origin: germline.
Comment: The NC_012920.1:m.8030C>T (YP_003024029.1:p.Pro149Ser) variant in MTCO2 gene is interpretated to be a Uncertain Significance variant based on the modified ACMG guidelines (unpublished). This variant meets the following evidence codes: PP7, BP4

NC_012920.1(MT-CO2):m.8030C>T

Gene: MT-CO2 (mitochondrially encoded cytochrome c oxidase II; plus strand).
Variant type: single nucleotide variant.
Genome position: chrM-8030-C-T.
Identifiers: ClinVar variation 692813 (VCV000692813.1), dbSNP rs1603221266, ClinGen allele CA414794717.